The following is an entry in ClinVar:

ClinVar aggregate classification (germline): Uncertain significance (1 of 4 stars; one submission).

Conditions:
LAMA2-related muscular dystrophy (LAMA2-RD). Also called: Laminin alpha 2-related dystrophy. Identifiers: MedGen C5679788, MONDO:0100228.

Allele frequency attached by ClinVar (database versions not stated): TOPMed 0.00002; ESP Exome Variant Server 0.00008.
gnomAD v4.1: 13 of 1,613,596 alleles (0.00081%); highest among the groups gnomAD compares: Admixed American, 0.0067%; no homozygotes.

Submission:

Labcorp Genetics (formerly Invitae), Labcorp
Classification: Uncertain significance for LAMA2-related muscular dystrophy. Last evaluated: 2022-08-21. Review status: criteria provided, single submitter. Criteria: Invitae Variant Classification Sherloc (09022015). Collection method: clinical testing. Allele origin: germline.
Comment: This sequence change replaces arginine, which is basic and polar, with leucine, which is neutral and non-polar, at codon 1588 of the LAMA2 protein (p.Arg1588Leu). This variant is not present in population databases (gnomAD no frequency). This variant has not been reported in the literature in individuals affected with LAMA2-related conditions. ClinVar contains an entry for this variant (Variation ID: 653180). Advanced modeling of protein sequence and biophysical properties (such as structural, functional, and spatial information, amino acid conservation, physicochemical variation, residue mobility, and thermodynamic stability) performed at Invitae indicates that this missense variant is not expected to disrupt LAMA2 protein function. In summary, the available evidence is currently insufficient to determine the role of this variant in disease. Therefore, it has been classified as a Variant of Uncertain Significance.

NM_000426.4(LAMA2):c.4763G>T (p.Arg1588Leu)

Gene: LAMA2 (laminin subunit alpha 2; plus strand). Cytogenetic location: 6q22.33.
Variant type: single nucleotide variant.
Coding change: c.4763G>T on transcript NM_000426.4 (MANE Select); coding-DNA position 4763, G replaced by T.
Protein change: p.Arg1588Leu; replaces arginine 1588 with leucine.
Molecular consequence: missense variant.
Genome position (GRCh38, 1-based): chr6:129,366,264, G>T. VCF-style: chr6-129366264-G-T. GRCh37 (hg19) VCF-style: chr6-129687409-G-T.
Other names: c.4763G>T, p.Arg1588Leu (NM_001079823.2); short protein forms R1588L.
Identifiers: ClinVar variation 653180 (VCV000653180.3), dbSNP rs138765295, ClinGen allele CA146918490.